The following is an entry in ClinVar:

NM_002495.4(NDUFS4):c.350+1G>A

Gene: NDUFS4 (NADH:ubiquinone oxidoreductase subunit S4; plus strand). Cytogenetic location: 5q11.2.
Variant type: single nucleotide variant.
Coding change: c.350+1G>A on transcript NM_002495.4 (MANE Select); the canonical splice donor site of the intron after coding-DNA position 350, G replaced by A.
Molecular consequence: splice donor variant.
Genome position (GRCh38, 1-based): chr5:53,646,406, G>A. VCF-style: chr5-53646406-G-A. GRCh37 (hg19) VCF-style: chr5-52942236-G-A.
Other names: NM_002495.4:c.350+1G>A; c.350+1G>A (NM_001318051.2).
Identifiers: ClinVar variation 1693584 (VCV001693584.11), dbSNP rs1260453815, ClinGen allele CA359719915.

ClinVar aggregate classification (germline): Pathogenic/Likely pathogenic. Review status: criteria provided, multiple submitters, no conflicts (2 of 4 stars). 3 submissions from 3 submitters: Pathogenic (1); Likely pathogenic (2). Last evaluated 2025-02-13.

Conditions:
Mitochondrial complex I deficiency, nuclear type 1. Also called: NADH-COENZYME Q REDUCTASE DEFICIENCY; MITOCHONDRIAL NADH DEHYDROGENASE COMPONENT OF COMPLEX I, DEFICIENCY OF. Identifiers: MedGen C6022305, MONDO:0100224, OMIM 252010.
Leigh syndrome (NULS). Also called: LEIGH SYNDROME, NUCLEAR; Leigh's necrotizing encephalopathy; Leigh's disease; Leigh Syndrome (mtDNA deletion); Leigh's syndrome; Leigh Disease. Identifiers: Orphanet 506, MedGen C2931891, MONDO:0009723, OMIM 256000.

Allele frequency attached by ClinVar (database versions not stated): TOPMed 0.00001.
gnomAD v4.1: 14 of 1,613,078 alleles (0.00087%); highest among the groups gnomAD compares: Admixed American, 0.0033%; no homozygotes.

Submissions (5):

Myriad Genetics, Inc.
Classification: Likely pathogenic for Mitochondrial complex I deficiency, nuclear type 1. Last evaluated: 2025-02-13. Review status: criteria provided, single submitter. Criteria: Myriad Autosomal Dominant, Autosomal Recessive and X-Linked Classification Criteria (2023). Collection method: clinical testing. Allele origin: unknown.
Comment: NM_002495.2(NDUFS4):c.350+1G>A is a variant in a canonical splice site classified as likely pathogenic in the context of mitochondrial complex I deficiency, NDUFS4-related. c.350+1G>A has been observed in a case with relevant disease (PMID: 18804471). Relevant functional assessments of this variant are not available in the literature. c.350+1G>A has been observed in referenced population frequency databases. In summary, NM_002495.2(NDUFS4):c.350+1G>A is a variant in a canonical splice site in a gene where loss of function is a known mechanism of disease, is predicted to disrupt protein function, and has been observed more frequently in cases with the relevant disease than in healthy populations. Please note: this variant was assessed in the context of healthy population screening.

Labcorp Genetics (formerly Invitae), Labcorp
Classification: Likely pathogenic. Last evaluated: 2024-02-17. Review status: criteria provided, single submitter. Criteria: Invitae Variant Classification Sherloc (09022015). Collection method: clinical testing. Allele origin: germline.
Comment: This sequence change affects a donor splice site in intron 3 of the NDUFS4 gene. It is expected to disrupt RNA splicing. Variants that disrupt the donor or acceptor splice site typically lead to a loss of protein function (PMID: 16199547), and loss-of-function variants in NDUFS4 are known to be pathogenic (PMID: 10944442, 16213125). This variant is present in population databases (no rsID available, gnomAD 0.006%). Disruption of this splice site has been observed in individual(s) with Leigh syndrome (PMID: 18804471). This variant is also known as c.358+1G>A. ClinVar contains an entry for this variant (Variation ID: 1693584). Algorithms developed to predict the effect of sequence changes on RNA splicing suggest that this variant may disrupt the consensus splice site. In summary, the currently available evidence indicates that the variant is pathogenic, but additional data are needed to prove that conclusively. Therefore, this variant has been classified as Likely Pathogenic.

Women's Health and Genetics/Laboratory Corporation of America, LabCorp
Classification: Pathogenic for Leigh syndrome. Last evaluated: 2022-10-19. Review status: criteria provided, single submitter. Criteria: LabCorp Variant Classification Summary - May 2015. Collection method: clinical testing. Allele origin: germline.
Comment: Variant summary: NDUFS4 c.350+1G>A is located in a canonical splice-site and is predicted to affect mRNA splicing resulting in a significantly altered protein due to either exon skipping, shortening, or inclusion of intronic material. Several computational tools predict a significant impact on normal splicing: Four predict the variant abolishes a canonical 5' splicing donor site. However, these predictions have yet to be confirmed by splicing assays. The variant allele was found at a frequency of 1.2e-05 in 251370 control chromosomes (gnomAD). c.350+1G>A has been reported in the literature in a homozygous individual affected with Leigh Syndrome (Marsy_2008). Functional experiments using skin fibroblasts derived from this individual showed an abnormal complex I protein by native PAGE and found that O2 consumption and ATP production from complex I substrates were reduced to approximately 25-30% compared to normal (Marsy_2008). These data indicate that the variant is likely to be associated with disease. No clinical diagnostic laboratories have submitted clinical-significance assessments for this variant to ClinVar after 2014. Based on the evidence outlined above, the variant was classified as pathogenic.

Dr. Peter K. Rogan Lab, Western University
No classification provided (evidence only). Condition: Colon adenocarcinoma. Review status: no classification provided. Collection method: in vitro. Allele origin: not applicable. Functional consequence: skipped exon, retained intron. Not counted in ClinVar's aggregate classification.

MutSpliceDB: a database of splice sites variants effects on splicing, NIH
No classification provided (evidence only). Review status: no classification provided. Collection method: in vivo. Allele origin: not applicable. Functional consequence: retained intron. Not counted in ClinVar's aggregate classification.

Literature cited by the submitters: PubMed 18804471 (cited by 3 submitters); PubMed 16199547 (cited by Labcorp Genetics (formerly Invitae), Labcorp); PubMed 10944442 (cited by Labcorp Genetics (formerly Invitae), Labcorp); PubMed 16213125 (cited by Labcorp Genetics (formerly Invitae), Labcorp).